The following is an entry in ClinVar:

ClinVar aggregate classification (germline): Likely benign (1 of 4 stars; one submission).

Submission:

CeGaT Center for Human Genetics Tuebingen
Classification: Likely benign. Last evaluated: 2026-05-01. Review status: criteria provided, single submitter. Criteria: CeGaT Center For Human Genetics Tuebingen Variant Classification Criteria Version 2. Collection method: clinical testing. Allele origin: germline. Affected: yes. Observed: 1 variant allele.
Comment: ZNF75D: PM2:Supporting, BP4, BP7

NM_007131.5(ZNF75D):c.477C>T (p.Phe159=)

Gene: ZNF75D (zinc finger protein 75D; minus strand). Cytogenetic location: Xq26.3.
Variant type: single nucleotide variant.
Coding change: c.477C>T on transcript NM_007131.5 (MANE Select); coding-DNA position 477, C replaced by T.
Protein change: p.Phe159=; no amino-acid change (phenylalanine 159 retained).
Molecular consequence: synonymous variant. On other transcripts: intron variant (1).
Genome position (GRCh38, 1-based): chrX:135,292,408, G>A on the plus strand (C>T on the coding strand, the complement: ZNF75D is on the minus strand). VCF-style: chrX-135292408-G-A. GRCh37 (hg19) VCF-style: chrX-134426334-G-A.
Other names: c.412-1273C>T (NM_001185063.2).
Identifiers: ClinVar variation 4873146 (VCV004873146.2).